The following is an entry in ClinVar:

NM_153247.4(SLC29A4):c.739C>T (p.Leu247=)

Gene: SLC29A4 (solute carrier family 29 member 4; plus strand). Cytogenetic location: 7p22.1.
Variant type: single nucleotide variant.
Coding change: c.739C>T on transcript NM_153247.4 (MANE Select); coding-DNA position 739, C replaced by T.
Protein change: p.Leu247=; no amino-acid change (leucine 247 retained).
Molecular consequence: synonymous variant.
Genome position (GRCh38, 1-based): chr7:5,297,055, C>T. VCF-style: chr7-5297055-C-T. GRCh37 (hg19) VCF-style: chr7-5336686-C-T.
Other names: c.739C>T, p.Leu247= (NM_001040661.3); c.697C>T, p.Leu233= (NM_001300847.3).
Identifiers: ClinVar variation 3057960 (VCV003057960.2), dbSNP rs368668197, ClinGen allele CA4142575.

ClinVar aggregate classification (germline): Likely benign (0 of 4 stars; one submission).

Conditions:
SLC29A4-related disorder. Also called: SLC29A4-related condition.

Allele frequency attached by ClinVar (database versions not stated): ESP Exome Variant Server 0.00015; gnomAD exomes 0.00019; TOPMed 0.00022; gnomAD 0.00027; ExAC 0.00028.

Submission:

PreventionGenetics, part of Exact Sciences
Classification: Likely benign for SLC29A4-related condition. Last evaluated: 2019-04-10. Review status: no assertion criteria provided. Collection method: clinical testing. Allele origin: germline.
Comment: This variant is classified as likely benign based on ACMG/AMP sequence variant interpretation guidelines (Richards et al. 2015 PMID: 25741868, with internal and published modifications).